The following is an entry in ClinVar:

ClinVar aggregate classification (germline): Uncertain significance. Review status: criteria provided, multiple submitters, no conflicts (2 of 4 stars). 4 submissions from 4 submitters: Uncertain significance (4). Last evaluated 2025-10-10.

Conditions:
JAG1-related disorder. Also called: JAG1-related condition; JAG1-related disorders.
Deafness, congenital heart defects, and posterior embryotoxon (DCHE). Identifiers: MedGen C1866053, MONDO:0060713, OMIM 617992.
Alagille syndrome due to a JAG1 point mutation. Also called: JAG1-Related Alagille Syndrome; HEPATIC DUCTULAR HYPOPLASIA, SYNDROMATIC; Alagille Syndrome 1. Identifiers: Orphanet 261619, Orphanet 52, MedGen C1956125, MONDO:0016862, OMIM 118450.
Tetralogy of Fallot (TOF). Identifiers: Orphanet 3303, MedGen C0039685, MONDO:0008542, OMIM 187500, HP:0001636.
Charcot-Marie-Tooth disease, axonal, Type 2HH. Also called: CHARCOT-MARIE-TOOTH NEUROPATHY, TYPE 2HH. Identifiers: MedGen C5562003, MONDO:0030458, OMIM 619574.
Cardiovascular phenotype. Identifiers: MedGen CN230736.

Allele frequency attached by ClinVar (database versions not stated): gnomAD exomes 0.00002; TOPMed 0.00002; gnomAD 0.00004.
gnomAD v4.1: 36 of 1,614,028 alleles (0.0022%); highest among the groups gnomAD compares: Non-Finnish European, 0.0029%; no homozygotes.

Submissions (4):

Labcorp Genetics (formerly Invitae), Labcorp
Classification: Uncertain significance for Alagille syndrome due to a JAG1 point mutation. Last evaluated: 2025-10-10. Review status: criteria provided, single submitter. Criteria: Invitae Variant Classification Sherloc (09022015). Collection method: clinical testing. Allele origin: germline.
Comment: This sequence change replaces serine, which is neutral and polar, with asparagine, which is neutral and polar, at codon 350 of the JAG1 protein (p.Ser350Asn). This variant is present in population databases (rs199922494, gnomAD 0.005%). This variant has not been reported in the literature in individuals affected with JAG1-related conditions. ClinVar contains an entry for this variant (Variation ID: 3230611). Invitae Evidence Modeling of protein sequence and biophysical properties (such as structural, functional, and spatial information, amino acid conservation, physicochemical variation, residue mobility, and thermodynamic stability) indicates that this missense variant is not expected to disrupt JAG1 protein function with a negative predictive value of 80%. In summary, the available evidence is currently insufficient to determine the role of this variant in disease. Therefore, it has been classified as a Variant of Uncertain Significance.

PreventionGenetics, part of Exact Sciences
Classification: Uncertain significance for JAG1-related condition. Last evaluated: 2025-10-07. Review status: criteria provided, single submitter. Criteria: ACMG Guidelines, 2015. Collection method: clinical testing. Allele origin: germline.
Comment: The JAG1 c.1049G>A variant is predicted to result in the amino acid substitution p.Ser350Asn. To our knowledge, this variant has not been reported in the literature. This variant is reported in 0.0039% of alleles in individuals of European (Non-Finnish) descent in gnomAD. At this time, the clinical significance of this variant is uncertain due to the absence of conclusive functional and genetic evidence.

Ambry Genetics
Classification: Uncertain significance for Cardiovascular phenotype. Last evaluated: 2024-07-27. Review status: criteria provided, single submitter. Criteria: Ambry Variant Classification Scheme 2023. Collection method: clinical testing. Allele origin: germline.

Fulgent Genetics
Classification: Uncertain significance for Alagille syndrome due to a JAG1 point mutation; Tetralogy of Fallot; Deafness, congenital heart defects, and posterior embryotoxon; Charcot-Marie-Tooth disease, axonal, Type 2HH. Last evaluated: 2024-02-23. Review status: criteria provided, single submitter. Criteria: ACMG Guidelines, 2015. Collection method: clinical testing. Allele origin: germline.

NM_000214.3(JAG1):c.1049G>A (p.Ser350Asn)

Gene: JAG1 (jagged canonical Notch ligand 1; minus strand). Cytogenetic location: 20p12.2.
Variant type: single nucleotide variant.
Coding change: c.1049G>A on transcript NM_000214.3 (MANE Select); coding-DNA position 1049, G replaced by A.
Protein change: p.Ser350Asn; replaces serine 350 with asparagine.
Molecular consequence: missense variant.
Genome position (GRCh38, 1-based): chr20:10,651,652, C>T on the plus strand (G>A on the coding strand, the complement: JAG1 is on the minus strand). VCF-style: chr20-10651652-C-T. GRCh37 (hg19) VCF-style: chr20-10632300-C-T.
Other names: short protein forms S350N.
Identifiers: ClinVar variation 3230611 (VCV003230611.6), dbSNP rs199922494, ClinGen allele CA311349585.